The following is an entry in ClinVar:

NM_015559.3(SETBP1):c.4445C>A (p.Pro1482His)

Gene: SETBP1 (SET binding protein 1; plus strand). Cytogenetic location: 18q12.3.
Variant type: single nucleotide variant.
Coding change: c.4445C>A on transcript NM_015559.3 (MANE Select); coding-DNA position 4445, C replaced by A.
Protein change: p.Pro1482His; replaces proline 1482 with histidine.
Molecular consequence: missense variant.
Genome position (GRCh38, 1-based): chr18:45,063,352, C>A. VCF-style: chr18-45063352-C-A. GRCh37 (hg19) VCF-style: chr18-42643317-C-A.
Other names: c.4445C>A, p.Pro1482His (NM_001379141.1, NM_001379142.1); short protein forms P1482H.
Identifiers: ClinVar variation 1310412 (VCV001310412.2), dbSNP rs2145593769, ClinGen allele CA402483427.

ClinVar aggregate classification (germline): Uncertain significance (1 of 4 stars; one submission).

Allele frequency attached by ClinVar (database versions not stated): gnomAD exomes below 0.00001.
gnomAD v4.1: 1 of 1,579,056 alleles (0.000063%); highest among the groups gnomAD compares: East Asian, 0.0024%; no homozygotes.

Submission:

GeneDx
Classification: Uncertain significance. Last evaluated: 2019-12-20. Review status: criteria provided, single submitter. Criteria: GeneDx Variant Classification Process June 2021. Collection method: clinical testing. Allele origin: germline. Affected: yes.
Comment: Not observed in large population cohorts (Lek et al., 2016); In silico analysis, which includes protein predictors and evolutionary conservation, supports that this variant does not alter protein structure/function; Has not been previously published as pathogenic or benign to our knowledge